The following is an entry in ClinVar:

NM_005633.4(SOS1):c.1646C>A (p.Thr549Lys)

Gene: SOS1 (SOS Ras/Rac guanine nucleotide exchange factor 1; minus strand). Cytogenetic location: 2p22.1.
Variant type: single nucleotide variant.
Coding change: c.1646C>A on transcript NM_005633.4 (MANE Select); coding-DNA position 1646, C replaced by A.
Protein change: p.Thr549Lys; replaces threonine 549 with lysine.
Molecular consequence: missense variant.
Genome position (GRCh38, 1-based): chr2:39,022,782, G>T on the plus strand (C>A on the coding strand, the complement: SOS1 is on the minus strand). VCF-style: chr2-39022782-G-T. GRCh37 (hg19) VCF-style: chr2-39249923-G-T.
Other names: p.T549K:ACA>AAA; c.1625C>A, p.Thr542Lys (NM_001382394.1); c.1646C>A, p.Thr549Lys (NM_001382395.1); short protein forms T549K, T542K.
Identifiers: ClinVar variation 181553 (VCV000181553.12), dbSNP rs730881046, ClinGen allele CA297273.

ClinVar aggregate classification (germline): Conflicting classifications of pathogenicity. Review status: criteria provided, conflicting classifications (1 of 4 stars). 4 submissions from 4 submitters: Likely pathogenic (2); Uncertain significance (2). Last evaluated 2025-01-31.

Conditions:
Cardiovascular phenotype. Identifiers: MedGen CN230736.
RASopathy. Also called: rasopathies; Noonan spectrum disorder. Identifiers: Orphanet 536391, MedGen C5555857, MONDO:0021060.

Submissions (4):

Ambry Genetics
Classification: Uncertain significance for Cardiovascular phenotype. Last evaluated: 2025-01-31. Review status: criteria provided, single submitter. Criteria: Ambry Variant Classification Scheme 2023. Collection method: clinical testing. Allele origin: germline.
Comment: The p.T549K variant (also known as c.1646C>A), located in coding exon 10 of the SOS1 gene, results from a C to A substitution at nucleotide position 1646. The threonine at codon 549 is replaced by lysine, an amino acid with similar properties. This variant was reported in individual(s) with features consistent with Noonan syndrome (Leach NT et al. Genet Med, 2019 Feb;21:417-425; Lepri F et al. Hum Mutat, 2011 Jul;32:760-72; Ambry internal data). This amino acid position is highly conserved in available vertebrate species. In addition, this alteration is predicted to be deleterious by in silico analysis. Based on the available evidence, the clinical significance of this variant remains unclear.

Labcorp Genetics (formerly Invitae), Labcorp
Classification: Likely pathogenic for RASopathy. Last evaluated: 2020-05-07. Review status: criteria provided, single submitter. Criteria: Invitae Variant Classification Sherloc (09022015). Collection method: clinical testing. Allele origin: germline.
Comment: This variant has been observed in individual(s) with clinical features of Noonan syndrome (PMID: 21387466, 29907801, Invitae). ClinVar contains an entry for this variant (Variation ID: 181553). In summary, the currently available evidence indicates that the variant is pathogenic, but additional data are needed to prove that conclusively. Therefore, this variant has been classified as Likely Pathogenic. This missense change is located in a region of the SOS1 protein where a significant number of previously reported SOS1 missense mutations are found (PMID: 21387466). These observations suggest that this may be a clinically significant region of the protein. Algorithms developed to predict the effect of missense changes on protein structure and function (SIFT, PolyPhen-2, Align-GVGD) all suggest that this variant is likely to be tolerated, but these predictions have not been confirmed by published functional studies and their clinical significance is uncertain. This variant is not present in population databases (ExAC no frequency). This sequence change replaces threonine with lysine at codon 549 of the SOS1 protein (p.Thr549Lys). The threonine residue is moderately conserved and there is a moderate physicochemical difference between threonine and lysine.

Women's Health and Genetics/Laboratory Corporation of America, LabCorp
Classification: Uncertain significance. Last evaluated: 2020-02-28. Review status: criteria provided, single submitter. Criteria: LabCorp Variant Classification Summary - May 2015. Collection method: clinical testing. Allele origin: germline. Inheritance: Autosomal dominant inheritance.
Comment: Variant summary: SOS1 c.1646C>A (p.Thr549Lys) results in a non-conservative amino acid change in the encoded protein sequence. The variant is located at a helical linker (residues 548-558) that was suggested to be functionally important to maintain the structural stability of the protein (Lepri_2011 and PMID: 20133692), and variants in this linker, such as S548R, L550P, R552G/K/S/T, have been classified as disease variants by our laboratory and/or other clinical labs, indicating the functional importance of this protein region. Five of five in-silico tools predict a damaging effect of the variant on protein function. The variant was absent in 250870 control chromosomes (gnomAD). c.1646C>A has been reported in the literature in individuals affected with Noonan Syndrome and Related Conditions (Leach_2019, Lepri_2011). These data indicate that the variant may be associated with disease. To our knowledge, no experimental evidence demonstrating an impact on protein function has been reported. A ClinVar submitter (evaluation after 2014) cites the variant as uncertain significance. Based on the evidence outlined above, the variant was classified as VUS-possibly pathogenic.

GeneDx
Classification: Likely pathogenic. Last evaluated: 2014-04-08. Review status: criteria provided, single submitter. Criteria: GeneDx Variant Classification (06012015). Collection method: clinical testing. Allele origin: germline. Affected: yes.
Comment: p.Thr549Lys (ACA>AAA): c.1646 C>A in exon 10 of the SOS1 gene (NM_005633.3). The T549K missense change in the SOS1 gene has been reported as a possibly pathogenic variant (Lepri et al., 2011). The T549K variant is a semi-conservative amino acid substitution, which may impact secondary protein structure as these residues differ in some properties. This substitution occurs at a position that is well conserved across species and is within the helical linker domain, which connects the pleckstrin homology (PH) domain and Ras exchanger motif (REM) (Lepri et al., 2011). Missense mutations in nearby residues (S548R, L550P, R552G, R552K, R552M, R552S, R552T, R552W) within the same domain have been reported in association with Noonan syndrome, supporting the functional importance of this region of the protein. Furthermore, the T549K variant was not observed in approximately 6,500 individuals of European and African American ancestry in the NHLBI Exome Sequencing Project, indicating it is not a common benign variant in these populations. Therefore, this variant is a strong candidate for a pathogenic mutation, however the possibility that it is a benign variant cannot be excluded. The variant is found in NOONAN panel(s).

Literature cited by the submitters: PubMed 21387466 (cited by 3 submitters); PubMed 29907801 (cited by 3 submitters); PubMed 24803665 (cited by Women's Health and Genetics/Laboratory Corporation of America, LabCorp).